The following is an entry in ClinVar:

NM_001165963.4(SCN1A):c.942del (p.Asp313_Trp314insTer)

Gene: SCN1A (sodium voltage-gated channel alpha subunit 1; minus strand). Cytogenetic location: 2q24.3.
Variant type: Deletion.
Coding change: c.942del on transcript NM_001165963.4 (MANE Select); coding-DNA position 942, one base deleted (G; older notation c.942delG).
Protein change: p.Asp313_Trp314insTer.
Molecular consequence: nonsense. On other transcripts: 5 prime UTR variant (1), non-coding transcript variant (1).
Genome position (GRCh38, 1-based): chr2:166,051,741, C deleted on the plus strand (G on the coding strand, the reverse complement: SCN1A is on the minus strand); the first of 2 consecutive C bases (chr2:166,051,741-166,051,742); deleting either gives the same sequence. VCF-style (leftmost placement, unchanged base first): chr2-166051740-TC-T. GRCh37 (hg19) VCF-style: chr2-166908250-TC-T.
Other names: c.942del, p.Asp313_Trp314insTer (NM_001165964.3, NM_001202435.3, NM_001353948.2 and 10 more transcripts); c.-1484del (NM_001353961.2).
Identifiers: ClinVar variation 206950 (VCV000206950.1), dbSNP rs796053105, ClinGen allele CA317836.

ClinVar aggregate classification (germline): Pathogenic (1 of 4 stars; one submission).

Submission:

GeneDx
Classification: Pathogenic. Last evaluated: 2014-11-17. Review status: criteria provided, single submitter. Criteria: GeneDx Variant Classification (06012015). Collection method: clinical testing. Allele origin: germline. Affected: yes.
Comment: c.942delG: p.Trp314Ter (W314X) in exon 6 of the SCN1A gene (NM_001165963.1). The normal sequence with the base that is deleted is braces is: ACTG{G}AAGT. The c.942delG mutation in the SCN1A gene causes a frameshift starting with codon Tryptophan 314 and changes this amino acid to a premature Stop codon, denoted p.Trp314Ter. This mutation is predicted to cause loss of normal protein function either through protein truncation or nonsense-mediated mRNA decay. Although this mutation has not been previously reported to our knowledge, other truncating mutations have been reported in the SCN1A protein in association with SCN1A-related disorders in an external mutation database. Therefore, the presence of c.942delG is consistent with a diagnosis of an SCN1A-related disorder. The variant is found in EPILEPSY panel(s).